The following is an entry in ClinVar:

NM_017999.5(RNF31):c.1165C>T (p.Arg389Ter)

Gene: RNF31 (ring finger protein 31; plus strand). Cytogenetic location: 14q12.
Variant type: single nucleotide variant.
Coding change: c.1165C>T on transcript NM_017999.5 (MANE Select); coding-DNA position 1165, C replaced by T.
Protein change: p.Arg389Ter; replaces arginine 389 with a stop codon.
Molecular consequence: nonsense.
Genome position (GRCh38, 1-based): chr14:24,150,416, C>T. VCF-style: chr14-24150416-C-T. GRCh37 (hg19) VCF-style: chr14-24619625-C-T.
Other names: c.712C>T, p.Arg238Ter (NM_001310332.2); short protein forms R389*, R238*.
Identifiers: ClinVar variation 2008618 (VCV002008618.4), dbSNP rs2038245158, ClinGen allele CA389292332.
Genomic context (GRCh38, chr14:24,150,416, plus strand): 5'-CTATGTTCCATATGTGAGCGACCTCGGCTGGCCCAGCCTCCCAGCTTGGTGGTGGATTCC[C>T]GAGATGCTGGCATTTGCCTGCAACCCCTTCAGGTAACTGGCCTTCCCAGCTCTTTATCGT-3'

ClinVar aggregate classification (germline): Uncertain significance (1 of 4 stars; one submission).

Submission:

Labcorp Genetics (formerly Invitae), Labcorp
Classification: Uncertain significance. Last evaluated: 2022-06-20. Review status: criteria provided, single submitter. Criteria: Invitae Variant Classification Sherloc (09022015). Collection method: clinical testing. Allele origin: germline.
Comment: Experimental studies and prediction algorithms are not available or were not evaluated, and the functional significance of this variant is currently unknown. This variant has not been reported in the literature in individuals affected with RNF31-related conditions. This sequence change creates a premature translational stop signal (p.Arg389*) in the RNF31 gene. It is expected to result in an absent or disrupted protein product. However, the current clinical and genetic evidence is not sufficient to establish whether loss-of-function variants in RNF31 cause disease. This variant is not present in population databases (gnomAD no frequency). In summary, the available evidence is currently insufficient to determine the role of this variant in disease. Therefore, it has been classified as a Variant of Uncertain Significance.